The following is an entry in ClinVar:

NM_007078.3(LDB3):c.990T>G (p.Ser330Arg)

Gene: LDB3 (LIM domain binding 3; plus strand). Cytogenetic location: 10q23.2.
Variant type: single nucleotide variant.
Coding change: c.990T>G on transcript NM_007078.3 (MANE Select); coding-DNA position 990, T replaced by G.
Protein change: p.Ser330Arg; replaces serine 330 with arginine.
Molecular consequence: missense variant. On other transcripts: intron variant (4).
Genome position (GRCh38, 1-based): chr10:86,706,624, T>G. VCF-style: chr10-86706624-T-G. GRCh37 (hg19) VCF-style: chr10-88466381-T-G.
Other names: c.849T>G, p.Ser283Arg (NM_001368066.1); c.897-3281T>G (NM_001368064.1, NM_001368065.1); c.1101-3281T>G (NM_001171610.2); c.756-3281T>G (NM_001080114.2); short protein forms S283R, S330R.
Identifiers: ClinVar variation 1768590 (VCV001768590.2), dbSNP rs1030546921, ClinGen allele CA377446916.
Genomic context (GRCh38, chr10:86,706,624, plus strand): 5'-CCAGGCCACCACCCCGCTGCTGCCCGCTTCTGCCCAGCCACCTGCTGCTGCCTCTCCCAG[T>G]GCGGCTTCGCCACCCCTGGCCACAGCTGCTGCCCACACTGCCATCGCCTCCGCCTCCACC-3'
Protein context (NP_009009.1, residues 320-340): SAQPPAAASP[Ser330Arg]AASPPLATAA

ClinVar aggregate classification (germline): Uncertain significance (1 of 4 stars; one submission).

Conditions:
Cardiovascular phenotype. Identifiers: MedGen CN230736.

Submission:

Ambry Genetics
Classification: Uncertain significance for Cardiovascular phenotype. Last evaluated: 2021-06-17. Review status: criteria provided, single submitter. Criteria: Ambry Variant Classification Scheme 2023. Collection method: clinical testing. Allele origin: germline.
Comment: The p.S330R variant (also known as c.990T>G), located in coding exon 7 of the LDB3 gene, results from a T to G substitution at nucleotide position 990. The serine at codon 330 is replaced by arginine, an amino acid with dissimilar properties. This amino acid position is not well conserved in available vertebrate species. In addition, this alteration is predicted to be tolerated by in silico analysis. Since supporting evidence is limited at this time, the clinical significance of this alteration remains unclear.